The following is an entry in ClinVar:

ClinVar aggregate classification (germline): Uncertain significance (1 of 4 stars; one submission).

gnomAD v4.1: 3 of 1,612,630 alleles (0.00019%); highest among the groups gnomAD compares: Non-Finnish European, 0.00025%; no homozygotes.

Submission:

Labcorp Genetics (formerly Invitae), Labcorp
Classification: Uncertain significance. Last evaluated: 2025-12-20. Review status: criteria provided, single submitter. Criteria: Invitae Variant Classification Sherloc (09022015). Collection method: clinical testing. Allele origin: germline.
Comment: This sequence change replaces histidine, which is basic and polar, with tyrosine, which is neutral and polar, at codon 452 of the DVL1 protein (p.His452Tyr). This variant is not present in population databases (gnomAD no frequency). This variant has not been reported in the literature in individuals affected with DVL1-related conditions. Invitae Evidence Modeling of protein sequence and biophysical properties (such as structural, functional, and spatial information, amino acid conservation, physicochemical variation, residue mobility, and thermodynamic stability) indicates that this missense variant is not expected to disrupt DVL1 protein function with a negative predictive value of 80%. In summary, the available evidence is currently insufficient to determine the role of this variant in disease. Therefore, it has been classified as a Variant of Uncertain Significance.

NM_001330311.2(DVL1):c.1429C>T (p.His477Tyr)

Gene: DVL1 (dishevelled segment polarity protein 1; minus strand). Cytogenetic location: 1p36.33.
Variant type: single nucleotide variant.
Coding change: c.1429C>T on transcript NM_001330311.2 (MANE Select); coding-DNA position 1429, C replaced by T.
Protein change: p.His477Tyr; replaces histidine 477 with tyrosine.
Molecular consequence: missense variant.
Genome position (GRCh38, 1-based): chr1:1,338,347, G>A on the plus strand (C>T on the coding strand, the complement: DVL1 is on the minus strand). VCF-style: chr1-1338347-G-A. GRCh37 (hg19) VCF-style: chr1-1273727-G-A.
Other names: c.1354C>T, p.His452Tyr (NM_004421.3); short protein forms H477Y, H452Y.
Identifiers: ClinVar variation 4694131 (VCV004694131.1).
Genomic context (GRCh38, chr1:1,338,347, plus strand): 5'-AGACGTAGTAGCACTGCTCGGAGAAGGTGATCTTGTTGACCGTGTGCCGCAGGAAGCCGT[G>A]CTTCAGCAAGCTGCTGGCGTACTTCCGGGCCTCCCGCCGCTCCTTGAAGCCCTCCACGTG-3'
Protein context (NP_001317240.1, residues 467-487): ARKYASSLLK[His477Tyr]GFLRHTVNKI